The following is an entry in ClinVar:

NM_003079.5(SMARCE1):c.365A>G (p.Glu122Gly)

Gene: SMARCE1 (SWI/SNF related BAF chromatin remodeling complex subunit E1; minus strand). Cytogenetic location: 17q21.2.
Variant type: single nucleotide variant.
Coding change: c.365A>G on transcript NM_003079.5 (MANE Select); coding-DNA position 365, A replaced by G.
Protein change: p.Glu122Gly; replaces glutamic acid 122 with glycine.
Molecular consequence: missense variant.
Genome position (GRCh38, 1-based): chr17:40,636,399, T>C on the plus strand (A>G on the coding strand, the complement: SMARCE1 is on the minus strand). VCF-style: chr17-40636399-T-C. GRCh37 (hg19) VCF-style: chr17-38792651-T-C.
Other names: short protein forms E122G.
Identifiers: ClinVar variation 2857842 (VCV002857842.3), dbSNP rs2508604513, ClinGen allele CA399366900.

ClinVar aggregate classification (germline): Uncertain significance (1 of 4 stars; one submission).

Conditions:
Familial meningioma. Also called: Meningioma, familial, susceptibility to. Identifiers: Orphanet 263662, MedGen C3551915, MONDO:0011789, OMIM 607174.

Submission:

Labcorp Genetics (formerly Invitae), Labcorp
Classification: Uncertain significance for Familial meningioma. Last evaluated: 2024-02-01. Review status: criteria provided, single submitter. Criteria: Invitae Variant Classification Sherloc (09022015). Collection method: clinical testing. Allele origin: germline.
Comment: This sequence change replaces glutamic acid, which is acidic and polar, with glycine, which is neutral and non-polar, at codon 122 of the SMARCE1 protein (p.Glu122Gly). This variant is not present in population databases (gnomAD no frequency). This variant has not been reported in the literature in individuals affected with SMARCE1-related conditions. Advanced modeling of protein sequence and biophysical properties (such as structural, functional, and spatial information, amino acid conservation, physicochemical variation, residue mobility, and thermodynamic stability) performed at Invitae indicates that this missense variant is expected to disrupt SMARCE1 protein function with a positive predictive value of 80%. In summary, the available evidence is currently insufficient to determine the role of this variant in disease. Therefore, it has been classified as a Variant of Uncertain Significance.